The following is an entry in ClinVar:

ClinVar aggregate classification (germline): Uncertain significance (1 of 4 stars; one submission).

Allele frequency attached by ClinVar (database versions not stated): gnomAD exomes below 0.00001; gnomAD 0.00001.
gnomAD v4.1: 4 of 1,604,644 alleles (0.00025%); highest among the groups gnomAD compares: Admixed American, 0.0017%; no homozygotes.

Submission:

Labcorp Genetics (formerly Invitae), Labcorp
Classification: Uncertain significance. Last evaluated: 2023-09-12. Review status: criteria provided, single submitter. Criteria: Invitae Variant Classification Sherloc (09022015). Collection method: clinical testing. Allele origin: germline.
Comment: The frequency data for this variant in the population databases is considered unreliable, as metrics indicate poor data quality at this position in the gnomAD database. This sequence change replaces cysteine, which is neutral and slightly polar, with tyrosine, which is neutral and polar, at codon 545 of the C7 protein (p.Cys545Tyr). This variant has not been reported in the literature in individuals affected with C7-related conditions. ClinVar contains an entry for this variant (Variation ID: 1965079). Advanced modeling of protein sequence and biophysical properties (such as structural, functional, and spatial information, amino acid conservation, physicochemical variation, residue mobility, and thermodynamic stability) performed at Invitae indicates that this missense variant is expected to disrupt C7 protein function. In summary, the available evidence is currently insufficient to determine the role of this variant in disease. Therefore, it has been classified as a Variant of Uncertain Significance.

NM_000587.4(C7):c.1634G>A (p.Cys545Tyr)

Gene: C7 (complement C7; plus strand). Cytogenetic location: 5p13.1.
Variant type: single nucleotide variant.
Coding change: c.1634G>A on transcript NM_000587.4 (MANE Select); coding-DNA position 1634, G replaced by A.
Protein change: p.Cys545Tyr; replaces cysteine 545 with tyrosine.
Molecular consequence: missense variant.
Genome position (GRCh38, 1-based): chr5:40,959,593, G>A. VCF-style: chr5-40959593-G-A. GRCh37 (hg19) VCF-style: chr5-40959695-G-A.
Other names: short protein forms C545Y.
Identifiers: ClinVar variation 1965079 (VCV001965079.5), dbSNP rs1258803105, ClinGen allele CA359588462.